The following is an entry in ClinVar:

NM_005529.7(HSPG2):c.9023C>A (p.Thr3008Asn)

Gene: HSPG2 (heparan sulfate proteoglycan 2; minus strand). Cytogenetic location: 1p36.12.
Variant type: single nucleotide variant.
Coding change: c.9023C>A on transcript NM_005529.7 (MANE Select); coding-DNA position 9023, C replaced by A.
Protein change: p.Thr3008Asn; replaces threonine 3008 with asparagine.
Molecular consequence: missense variant.
Genome position (GRCh38, 1-based): chr1:21,842,268, G>T on the plus strand (C>A on the coding strand, the complement: HSPG2 is on the minus strand). VCF-style: chr1-21842268-G-T. GRCh37 (hg19) VCF-style: chr1-22168761-G-T.
Other names: c.9026C>A, p.Thr3009Asn (NM_001291860.2); short protein forms T3008N, T3009N.
Identifiers: ClinVar variation 2629501 (VCV002629501.1), dbSNP rs2550663534, ClinGen allele CA338915652.
Genomic context (GRCh38, chr1:21,842,268, plus strand): 5'-CCCCCTTGCCCATGGCATCTGCCATACTCACGGTAGGAAGACCCCTCACTGGGCGGGACG[G>T]TGACTGTGAAGGAGGCTTCTTGCTCAGGGCCTGGGCCGCTGGCTGCACGACACACATACT-3'
Protein context (NP_005520.4, residues 2998-3018): GPEQEASFTV[Thr3008Asn]VPPSEGSSYR

ClinVar aggregate classification (germline): Uncertain significance (1 of 4 stars; one submission).

Conditions:
HSPG2-related disorder. Also called: HSPG2-related condition; HSPG2-related disorders.

Submission:

PreventionGenetics, part of Exact Sciences
Classification: Uncertain significance for HSPG2-related condition. Last evaluated: 2023-05-03. Review status: criteria provided, single submitter. Criteria: ACMG Guidelines, 2015. Collection method: clinical testing. Allele origin: germline.
Comment: The HSPG2 c.9023C>A variant is predicted to result in the amino acid substitution p.Thr3008Asn. To our knowledge, this variant has not been reported in the literature or in a large population database, indicating this variant is rare. At this time, the clinical significance of this variant is uncertain due to the absence of conclusive functional and genetic evidence.